The following is an entry in ClinVar:

ClinVar aggregate classification (germline): Uncertain significance (1 of 4 stars; one submission).

Submission:

GeneDx
Classification: Uncertain significance. Last evaluated: 2022-12-12. Review status: criteria provided, single submitter. Criteria: GeneDx Variant Classification Process June 2021. Collection method: clinical testing. Allele origin: germline. Affected: yes.
Comment: Not observed at significant frequency in large population cohorts (gnomAD); In silico analysis supports that this missense variant does not alter protein structure/function; Has not been previously published as pathogenic or benign to our knowledge

NM_003079.5(SMARCE1):c.500G>C (p.Gly167Ala)

Gene: SMARCE1 (SWI/SNF related BAF chromatin remodeling complex subunit E1; minus strand). Cytogenetic location: 17q21.2.
Variant type: single nucleotide variant.
Coding change: c.500G>C on transcript NM_003079.5 (MANE Select); coding-DNA position 500, G replaced by C.
Protein change: p.Gly167Ala; replaces glycine 167 with alanine.
Molecular consequence: missense variant.
Genome position (GRCh38, 1-based): chr17:40,635,972, C>G on the plus strand (G>C on the coding strand, the complement: SMARCE1 is on the minus strand). VCF-style: chr17-40635972-C-G. GRCh37 (hg19) VCF-style: chr17-38792224-C-G.
Other names: short protein forms G167A.
Identifiers: ClinVar variation 2504671 (VCV002504671.1), dbSNP rs2508603574, ClinGen allele CA399366327.